The following is an entry in ClinVar:

NM_015338.6(ASXL1):c.641G>C (p.Ser214Thr)

Gene: ASXL1 (ASXL transcriptional regulator 1; plus strand). Cytogenetic location: 20q11.21.
Variant type: single nucleotide variant.
Coding change: c.641G>C on transcript NM_015338.6 (MANE Select); coding-DNA position 641, G replaced by C.
Protein change: p.Ser214Thr; replaces serine 214 with threonine.
Molecular consequence: missense variant. On other transcripts: intron variant (1).
Genome position (GRCh38, 1-based): chr20:32,429,976, G>C. VCF-style: chr20-32429976-G-C. GRCh37 (hg19) VCF-style: chr20-31017779-G-C.
Other names: c.535+545G>C (NM_001363734.1); short protein forms S214T.
Identifiers: ClinVar variation 4157796 (VCV004157796.1).

ClinVar aggregate classification (germline): Uncertain significance (1 of 4 stars; one submission).

Conditions:
Inborn genetic diseases. Identifiers: MedGen C0950123, MeSH D030342.

Submission:

Ambry Genetics
Classification: Uncertain significance for Inborn genetic diseases. Last evaluated: 2025-06-21. Review status: criteria provided, single submitter. Criteria: Ambry Variant Classification Scheme 2023. Collection method: clinical testing. Allele origin: germline.
Comment: The p.S214T variant (also known as c.641G>C), located in coding exon 8 of the ASXL1 gene, results from a G to C substitution at nucleotide position 641. The serine at codon 214 is replaced by threonine, an amino acid with similar properties. This amino acid position is conserved. In addition, this alteration is predicted to be tolerated by in silico analysis. Based on the available evidence, the clinical significance of this variant remains unclear.